The following is an entry in ClinVar:

ClinVar aggregate classification (germline): Uncertain significance (1 of 4 stars; one submission).

Submission:

Labcorp Genetics (formerly Invitae), Labcorp
Classification: Uncertain significance. Last evaluated: 2024-07-18. Review status: criteria provided, single submitter. Criteria: Invitae Variant Classification Sherloc (09022015). Collection method: clinical testing. Allele origin: germline.
Comment: This sequence change replaces leucine, which is neutral and non-polar, with phenylalanine, which is neutral and non-polar, at codon 61 of the SCN3A protein (p.Leu61Phe). This variant is present in population databases (no rsID available, gnomAD 0.003%). This missense change has been observed in individual(s) with epilepsy (PMID: 28074849). Advanced modeling of protein sequence and biophysical properties (such as structural, functional, and spatial information, amino acid conservation, physicochemical variation, residue mobility, and thermodynamic stability) performed at Invitae indicates that this missense variant is expected to disrupt SCN3A protein function with a positive predictive value of 80%. In summary, the available evidence is currently insufficient to determine the role of this variant in disease. Therefore, it has been classified as a Variant of Uncertain Significance.

Literature cited by the submitters: PubMed 28074849.

NM_006922.4(SCN3A):c.181C>T (p.Leu61Phe)

Gene: SCN3A (sodium voltage-gated channel alpha subunit 3; minus strand). Cytogenetic location: 2q24.3.
Variant type: single nucleotide variant.
Coding change: c.181C>T on transcript NM_006922.4 (MANE Select); coding-DNA position 181, C replaced by T.
Protein change: p.Leu61Phe; replaces leucine 61 with phenylalanine.
Molecular consequence: missense variant.
Genome position (GRCh38, 1-based): chr2:165,176,214, G>A on the plus strand (C>T on the coding strand, the complement: SCN3A is on the minus strand). VCF-style: chr2-165176214-G-A. GRCh37 (hg19) VCF-style: chr2-166032724-G-A.
Other names: c.181C>T, p.Leu61Phe (NM_001081676.2, NM_001081677.2); short protein forms L61F.
Identifiers: ClinVar variation 3681803 (VCV003681803.2).